The following is an entry in ClinVar:

ClinVar aggregate classification (germline): Likely benign (0 of 4 stars; one submission).

Conditions:
LRP1-related disorder. Also called: LRP1-related condition.

Allele frequency attached by ClinVar (database versions not stated): gnomAD 0.00003; ExAC 0.00007; ESP Exome Variant Server 0.00008; TOPMed 0.00009; 1000 Genomes Project 30x 0.00016; 1000 Genomes Project 0.00020.
gnomAD v4.1: 160 of 1,613,896 alleles (0.0099%); highest among the groups gnomAD compares: Middle Eastern, 1.1%; 2 homozygotes.

Submission:

PreventionGenetics, part of Exact Sciences
Classification: Likely benign for LRP1-related condition. Last evaluated: 2020-05-11. Review status: no assertion criteria provided. Collection method: clinical testing. Allele origin: germline.
Comment: This variant is classified as likely benign based on ACMG/AMP sequence variant interpretation guidelines (Richards et al. 2015 PMID: 25741868, with internal and published modifications).

NM_002332.3(LRP1):c.9048C>T (p.Gly3016=)

Gene: LRP1 (LDL receptor related protein 1; plus strand). Cytogenetic location: 12q13.3.
Variant type: single nucleotide variant.
Coding change: c.9048C>T on transcript NM_002332.3 (MANE Select); coding-DNA position 9048, C replaced by T.
Protein change: p.Gly3016=; no amino-acid change (glycine 3016 retained).
Molecular consequence: synonymous variant.
Genome position (GRCh38, 1-based): chr12:57,197,137, C>T. VCF-style: chr12-57197137-C-T. GRCh37 (hg19) VCF-style: chr12-57590920-C-T.
Identifiers: ClinVar variation 3044647 (VCV003044647.2), dbSNP rs375934857, ClinGen allele CA6644572.